The following is an entry in ClinVar:

NM_014806.5(RUSC2):c.3802G>A (p.Ala1268Thr)

Gene: RUSC2 (RUN and SH3 domain containing 2; plus strand). Cytogenetic location: 9p13.3.
Variant type: single nucleotide variant.
Coding change: c.3802G>A on transcript NM_014806.5 (MANE Select); coding-DNA position 3802, G replaced by A.
Protein change: p.Ala1268Thr; replaces alanine 1268 with threonine.
Molecular consequence: missense variant. On other transcripts: non-coding transcript variant (1).
Genome position (GRCh38, 1-based): chr9:35,560,442, G>A. VCF-style: chr9-35560442-G-A. GRCh37 (hg19) VCF-style: chr9-35560439-G-A.
Other names: c.3802G>A, p.Ala1268Thr (NM_001135999.2); c.1168G>A, p.Ala390Thr (NM_001330740.2); c.3802G>A (NM_001135999.1); short protein forms A390T, A1268T.
Identifiers: ClinVar variation 1358793 (VCV001358793.9), dbSNP rs144319570, ClinGen allele CA5044245.
Genomic context (GRCh38, chr9:35,560,442, plus strand): 5'-GAAGAGGTGGCAGAGGCAGCCGGGGGCTCAGGGCGTGCCAGGTGGGCCCGAGGTGGGCAG[G>A]CCGGCTGGTGGTACCAGCTCATGCAGAGCTCCCAGGTCTACATCGATGGCTCCATTGAGG-3'
Protein context (NP_055621.2, residues 1258-1278): GRARWARGGQ[Ala1268Thr]GWWYQLMQSS

ClinVar aggregate classification (germline): Uncertain significance. Review status: criteria provided, multiple submitters, no conflicts (2 of 4 stars). 2 submissions from 2 submitters: Uncertain significance (2). Last evaluated 2025-01-06.

Allele frequency attached by ClinVar (database versions not stated): gnomAD exomes below 0.00001; ExAC 0.00001; gnomAD 0.00001; TOPMed 0.00001; ESP Exome Variant Server 0.00008.
gnomAD v4.1: 2 of 1,614,098 alleles (0.00012%); highest among the groups gnomAD compares: African/African-American, 0.0027%; no homozygotes.

Submissions (2):

Labcorp Genetics (formerly Invitae), Labcorp
Classification: Uncertain significance. Last evaluated: 2025-01-06. Review status: criteria provided, single submitter. Criteria: Invitae Variant Classification Sherloc (09022015). Collection method: clinical testing. Allele origin: germline.
Comment: This sequence change replaces alanine, which is neutral and non-polar, with threonine, which is neutral and polar, at codon 1268 of the RUSC2 protein (p.Ala1268Thr). This variant is present in population databases (rs144319570, gnomAD 0.004%). This variant has not been reported in the literature in individuals affected with RUSC2-related conditions. ClinVar contains an entry for this variant (Variation ID: 1358793). An algorithm developed to predict the effect of missense changes on protein structure and function outputs the following: PolyPhen-2: "Benign". The threonine amino acid residue is found in multiple mammalian species, which suggests that this missense change does not adversely affect protein function. In summary, the available evidence is currently insufficient to determine the role of this variant in disease. Therefore, it has been classified as a Variant of Uncertain Significance.

Ambry Genetics
Classification: Uncertain significance. Last evaluated: 2021-11-12. Review status: criteria provided, single submitter. Criteria: Ambry Variant Classification Scheme 2023. Collection method: clinical testing. Allele origin: germline.